The following is an entry in ClinVar:

ClinVar aggregate classification (germline): Conflicting classifications of pathogenicity. Review status: criteria provided, conflicting classifications (1 of 4 stars). 6 submissions from 6 submitters: Uncertain significance (1); Likely benign (4). 1 of the submissions does not count toward it. Last evaluated 2026-08-01.

Conditions:
Microcephalic osteodysplastic primordial dwarfism type II (MOPD2). Also called: Microcephalic osteodysplastic primordial dwarfism with tooth abnormalities; MOPD II; OSTEODYSPLASTIC PRIMORDIAL DWARFISM, TYPE II. Identifiers: Orphanet 2637, MedGen C0432246, MONDO:0008872, OMIM 210720.
PCNT-related disorder. Also called: PCNT-related condition.

Allele frequency attached by ClinVar (database versions not stated): gnomAD 0.00021 and 0.00022; TOPMed 0.00030; ESP Exome Variant Server 0.00038; ExAC 0.00040.
gnomAD v4.1: 405 of 1,613,798 alleles (0.025%); highest among the groups gnomAD compares: Non-Finnish European, 0.008%; 2 homozygotes.

Submissions (6):

CeGaT Center for Human Genetics Tuebingen
Classification: Likely benign. Last evaluated: 2026-08-01. Review status: criteria provided, single submitter. Criteria: CeGaT Center For Human Genetics Tuebingen Variant Classification Criteria Version 2. Collection method: clinical testing. Allele origin: germline. Affected: yes. Observed: 1 variant allele.
Comment: PCNT: BP4, BP7

Labcorp Genetics (formerly Invitae), Labcorp
Classification: Likely benign. Last evaluated: 2025-11-23. Review status: criteria provided, single submitter. Criteria: Invitae Variant Classification Sherloc (09022015). Collection method: clinical testing. Allele origin: germline.

Blueprint Genetics
Classification: Likely benign. Last evaluated: 2024-08-06. Review status: criteria provided, single submitter. Criteria: ACMG Guidelines, 2015. Collection method: clinical testing. Allele origin: germline.

GeneDx
Classification: Likely benign. Last evaluated: 2018-01-16. Review status: criteria provided, single submitter. Criteria: GeneDx Variant Classification (06012015). Collection method: clinical testing. Allele origin: germline. Affected: yes.
Comment: This variant is considered likely benign or benign based on one or more of the following criteria: it is a conservative change, it occurs at a poorly conserved position in the protein, it is predicted to be benign by multiple in silico algorithms, and/or has population frequency not consistent with disease.

Illumina Laboratory Services, Illumina
Classification: Uncertain significance for Microcephalic osteodysplastic primordial dwarfism type II. Last evaluated: 2018-01-13. Review status: criteria provided, single submitter. Criteria: ICSL Variant Classification Criteria 13 December 2019. Collection method: clinical testing. Allele origin: germline.

PreventionGenetics, part of Exact Sciences
Classification: Benign for PCNT-related condition. Last evaluated: 2019-11-16. Review status: no assertion criteria provided. Collection method: clinical testing. Allele origin: germline. Not counted in ClinVar's aggregate classification.
Comment: This variant is classified as benign based on ACMG/AMP sequence variant interpretation guidelines (Richards et al. 2015 PMID: 25741868, with internal and published modifications).

NM_006031.6(PCNT):c.8172C>T (p.Ile2724=)

Gene: PCNT (pericentrin; plus strand). Cytogenetic location: 21q22.3.
Variant type: single nucleotide variant.
Coding change: c.8172C>T on transcript NM_006031.6 (MANE Select); coding-DNA position 8172, C replaced by T.
Protein change: p.Ile2724=; no amino-acid change (isoleucine 2724 retained).
Molecular consequence: synonymous variant.
Genome position (GRCh38, 1-based): chr21:46,431,636, C>T. VCF-style: chr21-46431636-C-T. GRCh37 (hg19) VCF-style: chr21-47851550-C-T.
Other names: c.7818C>T, p.Ile2606= (NM_001315529.2).
Identifiers: ClinVar variation 340534 (VCV000340534.19), dbSNP rs146717642, ClinGen allele CA10080909.